The following is an entry in ClinVar:

NM_000062.3(SERPING1):c.856del (p.Arg286fs)

Gene: SERPING1 (serpin family G member 1; plus strand). Cytogenetic location: 11q12.1.
Variant type: Deletion.
Coding change: c.856del on transcript NM_000062.3 (MANE Select); coding-DNA position 856, one base deleted (C; older notation c.856delC).
Protein change: p.Arg286fs; shifts the reading frame from arginine 286.
Molecular consequence: frameshift variant.
Genome position (GRCh38, 1-based): chr11:57,606,180, C deleted; the last of 3 consecutive C bases (chr11:57,606,178-57,606,180); deleting any one gives the same sequence. VCF-style (leftmost placement, unchanged base first): chr11-57606177-AC-A. GRCh37 (hg19) VCF-style: chr11-57373650-AC-A.
Other names: c.856del, p.Arg286fs (NM_001032295.2); c.856delC (NM_000062.2); short protein forms R286fs.
Identifiers: ClinVar variation 419322 (VCV000419322.2), dbSNP rs1064793792, ClinGen allele CA16619351.

ClinVar aggregate classification (germline): Pathogenic (1 of 4 stars; one submission).

Submission:

GeneDx
Classification: Pathogenic. Last evaluated: 2017-10-10. Review status: criteria provided, single submitter. Criteria: GeneDx Variant Classification (06012015). Collection method: clinical testing. Allele origin: germline. Affected: yes.
Comment: The c.856delC variant in the SERPING1 (C1INH) gene causes a frameshift starting with codon Arginine 286, changes this amino acid to an Alanine residue, and creates a premature Stop codon at position 10 of the new reading frame, denoted p.Arg286AlafsX10. This variant is predicted to cause loss of normal protein function either through protein truncation or nonsense-mediated mRNA decay. The variant is not observed in large population cohorts (Lek et al., 2016). Although this variant has not been previously reported to our knowledge, we consider it to be pathogenic.